The following is an entry in ClinVar:

ClinVar aggregate classification (germline): Pathogenic/Likely pathogenic. Review status: criteria provided, multiple submitters, no conflicts (2 of 4 stars). 6 submissions from 5 submitters: Pathogenic (3); Likely pathogenic (1). 2 of the submissions do not count toward it. Last evaluated 2026-02-27.

Conditions:
FGFR2-related craniosynostosis. Identifiers: MedGen CN231480.
Crouzon syndrome. Also called: CRANIOFACIAL DYSOSTOSIS, TYPE I; Craniofacial dysostosis; Craniofacial dysostosis type 1; Crouzon craniofacial dysostosis; Crouzon disease. Identifiers: Orphanet 207, MedGen C0010273, MeSH D003394, MONDO:0007405, OMIM 123500, HP:0004439.
Pfeiffer syndrome (ACS5). Also called: ACS V. Identifiers: Orphanet 710, MedGen C0220658, MONDO:0007043, OMIM 101600.
Familial scaphocephaly syndrome, McGillivray type. Also called: SCAPHOCEPHALY, MAXILLARY RETRUSION, AND IMPAIRED INTELLECTUAL DEVELOPMENT. Identifiers: Orphanet 168624, MedGen C1865070, MONDO:0012307, OMIM 609579.

Submissions (6):

GeneDx
Classification: Pathogenic. Last evaluated: 2026-02-27. Review status: criteria provided, single submitter. Criteria: GeneDx Variant Classification Process June 2021. Collection method: clinical testing. Allele origin: germline.
Comment: Published functional studies demonstrate a damaging effect: increased activation of the FGFR2 kinase (PMID: 17803937); Not observed at significant frequency in large population cohorts (gnomAD); In silico analysis supports that this missense variant has a deleterious effect on protein structure/function; This variant is associated with the following publications: (PMID: 16061565, 17803937, 15523492, 38674107)

Dasa
Classification: Pathogenic. Last evaluated: 2025-05-10. Review status: criteria provided, single submitter. Criteria: DASA Assertion Criteria. Collection method: clinical testing. Allele origin: germline.
Comment: NM_000141.5(FGFR2):c.1576A>G (p.Lys526Glu) is a missense variant that results in the substitution of lysine with glutamic acid. Segregation evidence has been reported in affected families. Functional evidence supports a deleterious effect on the gene or gene product (PMID: 15523492; PMID: 16061565; PMID: 17803937; PMID: 24127277). This variant has been recurrently observed in individuals with related phenotype (PMID: 15523492; PMID: 16061565; PMID: 17803937; PMID: 24127277). Multiple computational predictions support a deleterious effect on the gene or gene product. The variant is present at low frequency in population datasets. Based on the available data, this variant is classified as pathogenic.

Labcorp Genetics (formerly Invitae), Labcorp
Classification: Pathogenic for FGFR2-related craniosynostosis. Last evaluated: 2024-05-20. Review status: criteria provided, single submitter. Criteria: Invitae Variant Classification Sherloc (09022015). Collection method: clinical testing. Allele origin: germline.
Comment: This sequence change replaces lysine, which is basic and polar, with glutamic acid, which is acidic and polar, at codon 526 of the FGFR2 protein (p.Lys526Glu). This variant is not present in population databases (gnomAD no frequency). This missense change has been observed in individuals with autosomal dominant FGFR2-related conditions (PMID: 15523492, 16061565; Invitae). It has also been observed to segregate with disease in related individuals. ClinVar contains an entry for this variant (Variation ID: 13295). Advanced modeling of protein sequence and biophysical properties (such as structural, functional, and spatial information, amino acid conservation, physicochemical variation, residue mobility, and thermodynamic stability) performed at Invitae indicates that this missense variant is expected to disrupt FGFR2 protein function with a positive predictive value of 95%. For these reasons, this variant has been classified as Pathogenic.

Genomic Medicine Center of Excellence, King Faisal Specialist Hospital and Research Centre
Classification: Likely pathogenic for Pfeiffer syndrome. Last evaluated: 2024-03-25. Review status: criteria provided, single submitter. Criteria: ACMG Guidelines, 2015. Collection method: research. Allele origin: germline.

OMIM
Classification: Pathogenic for CROUZON SYNDROME. Last evaluated: 2005-08-01. Review status: no assertion criteria provided. Collection method: literature only. Allele origin: germline. Not counted in ClinVar's aggregate classification.

OMIM
Classification: Pathogenic for SCAPHOCEPHALY, MAXILLARY RETRUSION, AND IMPAIRED INTELLECTUAL DEVELOPMENT. Last evaluated: 2005-08-01. Review status: no assertion criteria provided. Collection method: literature only. Allele origin: germline. Not counted in ClinVar's aggregate classification.

Literature cited by the submitters: PubMed 15523492 (cited by Dasa and Labcorp Genetics (formerly Invitae), Labcorp); PubMed 16061565 (cited by 3 submitters); PubMed 17803937 (cited by Dasa); PubMed 24127277 (cited by Dasa); PubMed 9169049 (cited by OMIM).

NM_000141.5(FGFR2):c.1576A>G (p.Lys526Glu)

Gene: FGFR2 (fibroblast growth factor receptor 2; minus strand). Cytogenetic location: 10q26.13.
Variant type: single nucleotide variant.
Coding change: c.1576A>G on transcript NM_000141.5 (MANE Select); coding-DNA position 1576, A replaced by G.
Protein change: p.Lys526Glu; replaces lysine 526 with glutamic acid.
Molecular consequence: missense variant. On other transcripts: non-coding transcript variant (1).
Genome position (GRCh38, 1-based): chr10:121,498,591, T>C on the plus strand (A>G on the coding strand, the complement: FGFR2 is on the minus strand). VCF-style: chr10-121498591-T-C. GRCh37 (hg19) VCF-style: chr10-123258105-T-C.
Other names: c.1579A>G, p.Lys527Glu (NM_001144913.1, NM_022970.4); c.1240A>G, p.Lys414Glu (NM_001144914.1); c.1309A>G, p.Lys437Glu (NM_001144915.2, NM_023029.3); c.1231A>G, p.Lys411Glu (NM_001144916.2); c.1228A>G, p.Lys410Glu (NM_001144917.2); c.1225A>G, p.Lys409Glu (NM_001144918.2); c.1312A>G, p.Lys438Glu (NM_001144919.2); c.892A>G, p.Lys298Glu (NM_001320654.2); and 1 more; short protein forms K526E, K527E, K437E, K298E, K409E, K414E, K438E, K410E.
Identifiers: ClinVar variation 13295 (VCV000013295.9), dbSNP rs121918507, ClinGen allele CA122996.